The following is an entry in ClinVar:

NM_000136.3(FANCC):c.1103_1104del (p.Leu368fs)

Genes: FANCC (FA complementation group C; minus strand), AOPEP (aminopeptidase O (putative); plus strand). Cytogenetic location: 9q22.32.
Variant type: Deletion.
Coding change: c.1103_1104del on transcript NM_000136.3 (MANE Select); coding-DNA positions 1103 to 1104, 2 bases deleted (TG; older notation c.1103_1104delTG).
Protein change: p.Leu368fs; shifts the reading frame from leucine 368.
Molecular consequence: frameshift variant.
Genome position (GRCh38, 1-based): chr9:95,114,679-95,114,680, CA deleted on the plus strand (TG on the coding strand, the reverse complement: FANCC is on the minus strand). VCF-style (leftmost placement, unchanged base first): chr9-95114678-TCA-T. GRCh37 (hg19) VCF-style: chr9-97876960-TCA-T.
Other names: c.1103_1104del, p.Leu368fs (NM_001243743.2, NM_001243744.2); c.1103_1104del (NM_000136.2); short protein forms L368fs.
Identifiers: ClinVar variation 370987 (VCV000370987.9), dbSNP rs1057516919, ClinGen allele CA16041342.

ClinVar aggregate classification (germline): Pathogenic/Likely pathogenic. Review status: criteria provided, multiple submitters, no conflicts (2 of 4 stars). 4 submissions from 4 submitters: Pathogenic (1); Likely pathogenic (2). 1 of the submissions does not count toward it. Last evaluated 2024-06-17.

Conditions:
Fanconi anemia (FA). Also called: Fanconi's anemia. Identifiers: Orphanet 84, MedGen C0015625, MeSH D005199, MONDO:0019391.
Fanconi anemia complementation group C (FANCC). Also called: Fanconi anemia, group C; FANCONI PANCYTOPENIA, TYPE 3; FACC; FANCC-Related Fanconi Anemia. Identifiers: Orphanet 84, MedGen C3468041, MONDO:0009213, OMIM 227645.

Allele frequency attached by ClinVar (database versions not stated): gnomAD exomes below 0.00001.

Submissions (4):

Natera, Inc.
Classification: Likely pathogenic for Fanconi anemia. Last evaluated: 2024-06-17. Review status: criteria provided, single submitter. Criteria: Natera Variant Classification Schema (03/2026). Collection method: clinical testing. Allele origin: germline.
Comment: The c.1103_1104del variant in FANCC is a frameshift variant predicted to shift the reading frame beginning at codon 368 and leads to a stop codon 5 codons downstream. This variant is expected to result in nonsense mediated decay, truncation, or a dysfunctional protein product. This variant is rare in the general population with a frequency below the threshold expected for the associated phenotype(s). Given the available evidence, this variant is classified as Likely Pathogenic.

Labcorp Genetics (formerly Invitae), Labcorp
Classification: Pathogenic for Fanconi anemia. Last evaluated: 2023-11-18. Review status: criteria provided, single submitter. Criteria: Invitae Variant Classification Sherloc (09022015). Collection method: clinical testing. Allele origin: germline.
Comment: This sequence change creates a premature translational stop signal (p.Leu368Glnfs*5) in the FANCC gene. It is expected to result in an absent or disrupted protein product. Loss-of-function variants in FANCC are known to be pathogenic (PMID: 17924555). This variant is present in population databases (no rsID available, gnomAD 0.004%). This variant has not been reported in the literature in individuals affected with FANCC-related conditions. ClinVar contains an entry for this variant (Variation ID: 370987). For these reasons, this variant has been classified as Pathogenic.

Baylor Genetics
Classification: Likely pathogenic for Fanconi anemia complementation group C. Last evaluated: 2023-02-09. Review status: criteria provided, single submitter. Criteria: ACMG Guidelines, 2015. Collection method: clinical testing. Allele origin: unknown.

Counsyl
Classification: Likely pathogenic for Fanconi anemia complementation group C. Last evaluated: 2016-05-31. Review status: no assertion criteria provided. Collection method: clinical testing. Allele origin: unknown. Not counted in ClinVar's aggregate classification.

Literature cited by the submitters: PubMed 17924555 (cited by Labcorp Genetics (formerly Invitae), Labcorp).